The following is an entry in ClinVar:

ClinVar aggregate classification (germline): Conflicting classifications of pathogenicity. Review status: criteria provided, conflicting classifications (1 of 4 stars). 2 submissions from 2 submitters: Uncertain significance (1); Benign (1). Last evaluated 2025-02-10.

Conditions:
Primary ciliary dyskinesia. Also called: Ciliary dyskinesia. Identifiers: Orphanet 244, MedGen C0008780, MONDO:0016575, HP:0012265.

Allele frequency attached by ClinVar (database versions not stated): gnomAD 0.00002; gnomAD exomes 0.00002 and 0.00004; TOPMed 0.00004; ExAC 0.00006; ESP Exome Variant Server 0.00034.
gnomAD v4.1: 27 of 1,613,458 alleles (0.0017%); highest among the groups gnomAD compares: Middle Eastern, 0.016%; no homozygotes.

Submissions (2):

Labcorp Genetics (formerly Invitae), Labcorp
Classification: Benign for Primary ciliary dyskinesia. Last evaluated: 2025-02-10. Review status: criteria provided, single submitter. Criteria: Invitae Variant Classification Sherloc (09022015). Collection method: clinical testing. Allele origin: germline.

Ambry Genetics
Classification: Uncertain significance for Primary ciliary dyskinesia. Last evaluated: 2022-12-06. Review status: criteria provided, single submitter. Criteria: Ambry Variant Classification Scheme 2023. Collection method: clinical testing. Allele origin: germline.
Comment: The p.T352M variant (also known as c.1055C>T), located in coding exon 6 of the DNAH11 gene, results from a C to T substitution at nucleotide position 1055. The threonine at codon 352 is replaced by methionine, an amino acid with similar properties. This amino acid position is conserved. In addition, this alteration is predicted to be tolerated by in silico analysis. Since supporting evidence is limited at this time, the clinical significance of this alteration remains unclear.

NM_001277115.2(DNAH11):c.1055C>T (p.Thr352Met)

Gene: DNAH11 (dynein axonemal heavy chain 11; plus strand). Cytogenetic location: 7p15.3.
Variant type: single nucleotide variant.
Coding change: c.1055C>T on transcript NM_001277115.2 (MANE Select); coding-DNA position 1055, C replaced by T.
Protein change: p.Thr352Met; replaces threonine 352 with methionine.
Molecular consequence: missense variant.
Genome position (GRCh38, 1-based): chr7:21,564,258, C>T. VCF-style: chr7-21564258-C-T. GRCh37 (hg19) VCF-style: chr7-21603876-C-T.
Other names: short protein forms T352M.
Identifiers: ClinVar variation 575019 (VCV000575019.11), dbSNP rs200824684, ClinGen allele CA4178889.
Genomic context (GRCh38, chr7:21,564,258, plus strand): 5'-CCCAAGATGTGGAACTTTACCTGAGACCTCTGAGGAGACACATCCAGTGTCTCCAGGAGA[C>T]GGAATTCCCACAGACACGCATATTAATCGCTCCATTATTTCATACCATCTGTCTGATCTG-3'
Protein context (NP_001264044.1, residues 342-362): LRRHIQCLQE[Thr352Met]EFPQTRILIA